The following is an entry in ClinVar:

NM_024408.4(NOTCH2):c.7072A>G (p.Met2358Val)

Gene: NOTCH2 (notch receptor 2; minus strand). Cytogenetic location: 1p12.
Variant type: single nucleotide variant.
Coding change: c.7072A>G on transcript NM_024408.4 (MANE Select); coding-DNA position 7072, A replaced by G.
Protein change: p.Met2358Val; replaces methionine 2358 with valine.
Molecular consequence: missense variant.
Genome position (GRCh38, 1-based): chr1:119,915,650, T>C on the plus strand (A>G on the coding strand, the complement: NOTCH2 is on the minus strand). VCF-style: chr1-119915650-T-C. GRCh37 (hg19) VCF-style: chr1-120458273-T-C.
Other names: short protein forms M2358V.
Identifiers: ClinVar variation 593802 (VCV000593802.9), dbSNP rs763117840, ClinGen allele CA1039325.

ClinVar aggregate classification (germline): Uncertain significance. Review status: criteria provided, multiple submitters, no conflicts (2 of 4 stars). 3 submissions from 3 submitters: Uncertain significance (3). Last evaluated 2025-12-22.

Conditions:
Hajdu-Cheney syndrome (HJCYS). Also called: Acroosteolysis dominant type; SERPENTINE FIBULA-POLYCYSTIC KIDNEY SYNDROME; ACROOSTEOLYSIS WITH OSTEOPOROSIS AND CHANGES IN SKULL AND MANDIBLE. Identifiers: Orphanet 955, MedGen C0917715, MONDO:0007057, OMIM 102500.
Alagille syndrome due to a NOTCH2 point mutation. Also called: Alagille syndrome 2. Identifiers: Orphanet 261629, Orphanet 52, MedGen C1857761, MONDO:0012439, OMIM 610205.

Allele frequency attached by ClinVar (database versions not stated): gnomAD exomes 0.00003; ExAC 0.00001; TOPMed 0.00001.
gnomAD v4.1: 39 of 1,614,038 alleles (0.0024%); highest among the groups gnomAD compares: Non-Finnish European, 0.0032%; no homozygotes.

Submissions (3):

Labcorp Genetics (formerly Invitae), Labcorp
Classification: Uncertain significance for Hajdu-Cheney syndrome. Last evaluated: 2025-12-22. Review status: criteria provided, single submitter. Criteria: Invitae Variant Classification Sherloc (09022015). Collection method: clinical testing. Allele origin: germline.
Comment: This sequence change replaces methionine, which is neutral and non-polar, with valine, which is neutral and non-polar, at codon 2358 of the NOTCH2 protein (p.Met2358Val). This variant is present in population databases (rs763117840, gnomAD 0.0009%). This variant has not been reported in the literature in individuals affected with NOTCH2-related conditions. ClinVar contains an entry for this variant (Variation ID: 593802). Invitae Evidence Modeling of protein sequence and biophysical properties (such as structural, functional, and spatial information, amino acid conservation, physicochemical variation, residue mobility, and thermodynamic stability) indicates that this missense variant is not expected to disrupt NOTCH2 protein function with a negative predictive value of 80%. In summary, the available evidence is currently insufficient to determine the role of this variant in disease. Therefore, it has been classified as a Variant of Uncertain Significance.

Fulgent Genetics
Classification: Uncertain significance for Hajdu-Cheney syndrome; Alagille syndrome due to a NOTCH2 point mutation. Last evaluated: 2022-02-07. Review status: criteria provided, single submitter. Criteria: ACMG Guidelines, 2015. Collection method: clinical testing. Allele origin: unknown.

Eurofins Ntd Llc (ga)
Classification: Uncertain significance. Last evaluated: 2017-08-23. Review status: criteria provided, single submitter. Criteria: EGL Classification Definitions 2015. Collection method: clinical testing. Allele origin: germline. Observed: 1 variant allele, 1 heterozygote.